The following is an entry in ClinVar:

ClinVar aggregate classification (germline): Uncertain significance (1 of 4 stars; one submission).

Submission:

Labcorp Genetics (formerly Invitae), Labcorp
Classification: Uncertain significance. Last evaluated: 2024-01-27. Review status: criteria provided, single submitter. Criteria: Invitae Variant Classification Sherloc (09022015). Collection method: clinical testing. Allele origin: germline.
Comment: This sequence change replaces proline, which is neutral and non-polar, with leucine, which is neutral and non-polar, at codon 1414 of the FOCAD protein (p.Pro1414Leu). This variant is not present in population databases (gnomAD no frequency). This variant has not been reported in the literature in individuals affected with FOCAD-related conditions. Experimental studies and prediction algorithms are not available or were not evaluated, and the functional significance of this variant is currently unknown. In summary, the available evidence is currently insufficient to determine the role of this variant in disease. Therefore, it has been classified as a Variant of Uncertain Significance.

NM_001375567.1(FOCAD):c.4241C>T (p.Pro1414Leu)

Gene: FOCAD (focadhesin; plus strand). Cytogenetic location: 9p21.3.
Variant type: single nucleotide variant.
Coding change: c.4241C>T on transcript NM_001375567.1 (MANE Select); coding-DNA position 4241, C replaced by T.
Protein change: p.Pro1414Leu; replaces proline 1414 with leucine.
Molecular consequence: missense variant.
Genome position (GRCh38, 1-based): chr9:20,976,528, C>T. VCF-style: chr9-20976528-C-T. GRCh37 (hg19) VCF-style: chr9-20976527-C-T.
Other names: c.4136C>T, p.Pro1379Leu (NM_001375568.1, NM_001375570.1); c.4241C>T, p.Pro1414Leu (NM_017794.5); short protein forms P1379L, P1414L.
Identifiers: ClinVar variation 2709516 (VCV002709516.3), dbSNP rs1840248522, ClinGen allele CA373054741.